The following is an entry in ClinVar:

ClinVar aggregate classification (germline): Likely pathogenic (1 of 4 stars; one submission).

Conditions:
Cortical dysplasia-focal epilepsy syndrome (PTHSL1). Also called: Pitt-Hopkins-like syndrome 1. Identifiers: Orphanet 163681, Orphanet 221150, MedGen C2750246, MONDO:0012400, OMIM 610042.

Submission:

Labcorp Genetics (formerly Invitae), Labcorp
Classification: Likely pathogenic for Cortical dysplasia-focal epilepsy syndrome. Last evaluated: 2020-10-08. Review status: criteria provided, single submitter. Criteria: Invitae Variant Classification Sherloc (09022015). Collection method: clinical testing. Allele origin: germline.
Comment: In summary, the currently available evidence indicates that the variant is pathogenic, but additional data are needed to prove that conclusively. Therefore, this variant has been classified as Likely Pathogenic. Loss-of-function variants in CNTNAP2 are known to be pathogenic (PMID: 19896112, 21827697, 25045150, 26843181, 27439707). This variant has not been reported in the literature in individuals with CNTNAP2-related conditions. This variant results in a copy number gain of the genomic region encompassing exon(s) 4-9 of the CNTNAP2 gene. While the exact position of this variant cannot be determined from the data, sub-genic copy number gains are generally in tandem (PMID: 25640679). This variant is predicted to be out-of-frame, and may result in an absent or disrupted protein product.

Literature cited by the submitters: PubMed 19896112; PubMed 21827697; PubMed 25045150; PubMed 26843181; PubMed 27439707; PubMed 25640679.

NC_000007.13:g.(?_146740989)_(146997392_?)dup

Gene: CNTNAP2 (contactin associated protein 2; plus strand). Cytogenetic location: 7q35.
Variant type: Duplication.
Identifiers: ClinVar variation 1066418 (VCV001066418.7).